The following is an entry in ClinVar:

NM_001923.5(DDB1):c.1988A>G (p.Asn663Ser)

Gene: DDB1 (damage specific DNA binding protein 1; minus strand). Cytogenetic location: 11q12.2.
Variant type: single nucleotide variant.
Coding change: c.1988A>G on transcript NM_001923.5 (MANE Select); coding-DNA position 1988, A replaced by G.
Protein change: p.Asn663Ser; replaces asparagine 663 with serine.
Molecular consequence: missense variant.
Genome position (GRCh38, 1-based): chr11:61,313,580, T>C on the plus strand (A>G on the coding strand, the complement: DDB1 is on the minus strand). VCF-style: chr11-61313580-T-C. GRCh37 (hg19) VCF-style: chr11-61081052-T-C.
Other names: short protein forms N663S.
Identifiers: ClinVar variation 1676523 (VCV001676523.3), dbSNP rs2134911215, ClinGen allele CA380662208.

ClinVar aggregate classification (germline): Uncertain significance (1 of 4 stars; one submission).

gnomAD v4.1: 1 of 1,614,142 alleles (0.000062%); highest among the groups gnomAD compares: Non-Finnish European, 0.000085%; no homozygotes.

Submission:

Greenwood Genetic Center Diagnostic Laboratories, Greenwood Genetic Center
Classification: Uncertain significance. Last evaluated: 2022-01-13. Review status: criteria provided, single submitter. Criteria: ACMG Guidelines, 2015. Collection method: clinical testing. Allele origin: germline. Affected: yes.
Comment: PP2, PP3, PM2